The following is an entry in ClinVar:

ClinVar aggregate classification (germline): Pathogenic (1 of 4 stars; one submission).

Conditions:
Hereditary spastic paraplegia 11. Also called: SPASTIC PARAPLEGIA, AUTOSOMAL RECESSIVE, COMPLICATED, WITH THIN CORPUS CALLOSUM; SPASTIC PARAPLEGIA, AUTOSOMAL RECESSIVE, WITH MENTAL IMPAIRMENT AND THIN CORPUS CALLOSUM; Spastic Paraplegia 11; Spastic paraplegia, mental retardation and thin corpus callosum; Nakamura Osame syndrome; Autosomal recessive hereditary spastic paraplegia, mental impairment, and thin corpus callosum. Identifiers: Orphanet 2822, MedGen C1858479, MONDO:0011445, OMIM 604360.

Allele frequency attached by ClinVar (database versions not stated): gnomAD exomes below 0.00001.
gnomAD v4.1: 1 of 1,614,064 alleles (0.000062%); highest among the groups gnomAD compares: Non-Finnish European, 0.000085%; no homozygotes.

Submission:

Labcorp Genetics (formerly Invitae), Labcorp
Classification: Pathogenic for Hereditary spastic paraplegia 11. Last evaluated: 2023-12-22. Review status: criteria provided, single submitter. Criteria: Invitae Variant Classification Sherloc (09022015). Collection method: clinical testing. Allele origin: germline.
Comment: This sequence change creates a premature translational stop signal (p.Gln1114*) in the SPG11 gene. It is expected to result in an absent or disrupted protein product. Loss-of-function variants in SPG11 are known to be pathogenic (PMID: 19105190, 20110243, 22154821, 26556829). This variant is not present in population databases (gnomAD no frequency). This variant has not been reported in the literature in individuals affected with SPG11-related conditions. For these reasons, this variant has been classified as Pathogenic.

Literature cited by the submitters: PubMed 19105190; PubMed 20110243; PubMed 22154821; PubMed 26556829.

NM_025137.4(SPG11):c.3340C>T (p.Gln1114Ter)

Gene: SPG11 (SPG11 vesicle trafficking associated, spatacsin; minus strand). Cytogenetic location: 15q21.1.
Variant type: single nucleotide variant.
Coding change: c.3340C>T on transcript NM_025137.4 (MANE Select); coding-DNA position 3340, C replaced by T.
Protein change: p.Gln1114Ter; replaces glutamine 1114 with a stop codon.
Molecular consequence: nonsense.
Genome position (GRCh38, 1-based): chr15:44,608,557, G>A on the plus strand (C>T on the coding strand, the complement: SPG11 is on the minus strand). VCF-style: chr15-44608557-G-A. GRCh37 (hg19) VCF-style: chr15-44900755-G-A.
Other names: c.3340C>T, p.Gln1114Ter (NM_001160227.2, NM_001411132.1); short protein forms Q1114*.
Identifiers: ClinVar variation 2698369 (VCV002698369.3), dbSNP rs2505464687, ClinGen allele CA392225012.
Genomic context (GRCh38, chr15:44,608,557, plus strand): 5'-ACTGTGGGAAGAGAGCAGTTTTTAGCTTGGGGTAAGGAGTTAATGCCATCTTCAATAGCT[G>A]GGGATCCACTTTCTTCAAACAGTTTTCATTTTCTTCATTCTGAACAACCTAAGTAAAAAA-3'